The following is an entry in ClinVar:

ClinVar aggregate classification (germline): Uncertain significance (1 of 4 stars; one submission).

Conditions:
Familial cold autoinflammatory syndrome 2 (FCAS2). Identifiers: Orphanet 247868, MedGen C2673198, MONDO:0012724, OMIM 611762.

Submission:

Labcorp Genetics (formerly Invitae), Labcorp
Classification: Uncertain significance for Familial cold autoinflammatory syndrome 2. Last evaluated: 2022-09-27. Review status: criteria provided, single submitter. Criteria: Invitae Variant Classification Sherloc (09022015). Collection method: clinical testing. Allele origin: germline.
Comment: A copy number gain of the genomic region encompassing the full coding sequence of the NLRP12 gene has been identified. The boundaries of this event are unknown as they extend beyond the assayed region for this gene and therefore may encompass additional genes. As the precise location of this event is unknown, it may be in tandem or it may be located elsewhere in the genome. This variant has not been reported in the literature in individuals affected with NLRP12-related conditions. In summary, the available evidence is currently insufficient to determine the role of this variant in disease. Therefore, it has been classified as a Variant of Uncertain Significance.

NC_000019.9:g.(?_54297283)_(54327448_?)dup

Gene: NLRP12 (NLR family pyrin domain containing 12; minus strand). Cytogenetic location: 19q13.42.
Variant type: Duplication.
Identifiers: ClinVar variation 536950 (VCV000536950.8).